The following is an entry in ClinVar:

NM_005629.4(SLC6A8):c.1235_1248del (p.Leu412fs)

Gene: SLC6A8 (solute carrier family 6 member 8; plus strand). Cytogenetic location: Xq28.
Variant type: Deletion.
Coding change: c.1235_1248del on transcript NM_005629.4 (MANE Select); coding-DNA positions 1235 to 1248, 14 bases deleted (TGCTTGGTCTCGAC).
Protein change: p.Leu412fs; shifts the reading frame from leucine 412.
Molecular consequence: frameshift variant.
Genome position (GRCh38, 1-based): chrX:153,693,998-153,694,011, TGCTTGGTCTCGAC deleted; deleting any 14 consecutive bases within chrX:153,693,997-153,694,011 gives the same sequence; the c. name uses the placement nearest the transcript's 3' end. VCF-style (leftmost placement, unchanged base first): chrX-153693996-GCTGCTTGGTCTCGA-G. GRCh37 (hg19) VCF-style: chrX-152959451-GCTGCTTGGTCTCGA-G.
Other names: NM_001142805.2:c.1205_1218del; c.1205_1218del, p.Leu402fs (NM_001142805.2); c.890_903del, p.Leu297fs (NM_001142806.1); short protein forms L297fs, L402fs, L412fs.
Identifiers: ClinVar variation 2583102 (VCV002583102.1), dbSNP rs2522165523, ClinGen allele CA2579985999.

ClinVar aggregate classification (germline): Pathogenic (3 of 4 stars; one submission).

Conditions:
Creatine transporter deficiency (CCDS1). Also called: CEREBRAL CREATINE DEFICIENCY SYNDROME 1; Creatine Transporter (CRTR) Deficiency; Mental retardation , X-linked with seizures, short stature and midface hypoplasia; Mental retardation , X-linked, with creatine transport deficiency; X-linked creatine transporter deficiency; X-linked creatine deficiency syndrome. Identifiers: Orphanet 52503, MedGen C1845862, MONDO:0010305, OMIM 300352.

Submission:

ClinGen Cerebral Creatine Deficiency Syndromes Variant Curation Expert Panel, ClinGen
Classification: Pathogenic for Creatine transporter deficiency. Last evaluated: 2023-06-21. Review status: reviewed by expert panel. Criteria: ClinGen_CCDS_ACMG_Specifications_SLC6A8_v1.1. Collection method: curation. Allele origin: germline. Inheritance: X-linked inheritance.
Comment: The NM_005629.4:c.1235_1248del (p.Leu412GlnfsTer48) variant in SLC6A8 is a frameshift variant predicted to cause a premature stop codon, leading to nonsense mediated decay, in a gene in which loss-of-function is an established disease mechanism (PVS1). The variant is absent in gnomad v2.1.1. (PM2_Supporting). In summary, this variant meets the criteria to be classified as pathogenic for creatine transporter deficiency. SLC6A8-specific ACMG/AMP criteria applied, as specified by the ClinGen CCDS VCEP (Specifications Version 1.1.0): PVS1, PP4_Strong, PM2_Supporting. (Classification approved by the ClinGen CCDS VCEP, June 21, 2023)